The following is an entry in ClinVar:

ClinVar aggregate classification (germline): Uncertain significance. Review status: criteria provided, multiple submitters, no conflicts (2 of 4 stars). 4 submissions from 4 submitters: Uncertain significance (4). Last evaluated 2025-06-18.

Conditions:
Cardiomyopathy (CMYO). Also called: Cardiomyopathies. Identifiers: Orphanet 167848, MedGen C0878544, MONDO:0004994, HP:0001638. Inheritance: Various modes of inheritance.
Hypertrophic cardiomyopathy. Also called: HYPERTROPHIC MYOCARDIOPATHY. Identifiers: Orphanet 217569, MedGen C0007194, MeSH D002312, MONDO:0005045, HP:0001639.

Allele frequency attached by ClinVar (database versions not stated): gnomAD exomes below 0.00001.
gnomAD v4.1: 1 of 1,613,954 alleles (0.000062%); highest among the groups gnomAD compares: Non-Finnish European, 0.000085%; no homozygotes.

Submissions (4):

Color Diagnostics, LLC DBA Color Health
Classification: Uncertain significance for Cardiomyopathy. Last evaluated: 2025-06-18. Review status: criteria provided, single submitter. Criteria: ACMG Guidelines, 2015. Collection method: clinical testing. Allele origin: germline.
Comment: This missense variant replaces lysine with arginine at codon 812 of the MYBPC3 protein. Computational prediction suggests that this variant may have a deleterious impact on protein structure and function. To our knowledge, functional studies have not been reported for this variant. This variant has been reported in an individual affected with hypertrophic cardiomyopathy (PMID: 25351510, 30297972, 32841044, 33782553). This variant has not been identified in the general population by the Genome Aggregation Database (gnomAD). The available evidence is insufficient to determine the role of this variant in disease conclusively. Therefore, this variant is classified as a Variant of Uncertain Significance.

All of Us Research Program, National Institutes of Health
Classification: Uncertain significance for Hypertrophic cardiomyopathy. Last evaluated: 2023-11-30. Review status: criteria provided, single submitter. Criteria: ACMG Guidelines, 2015. Collection method: clinical testing. Allele origin: germline. Inheritance: Autosomal dominant inheritance. Observed: 1 variant allele, 1 heterozygote.
Comment: This study involves interpretation of variants in research participants for the purpose of population health screening. Participant phenotype was not available at the time of variant classification. Additional details can be found in publication PMID: 35346344, PMCID: PMC8962531

Labcorp Genetics (formerly Invitae), Labcorp
Classification: Uncertain significance for Hypertrophic cardiomyopathy. Last evaluated: 2022-07-11. Review status: criteria provided, single submitter. Criteria: Invitae Variant Classification Sherloc (09022015). Collection method: clinical testing. Allele origin: germline.
Comment: This sequence change replaces lysine, which is basic and polar, with arginine, which is basic and polar, at codon 812 of the MYBPC3 protein (p.Lys812Arg). This variant is not present in population databases (gnomAD no frequency). This missense change has been observed in individual(s) with hypertrophic cardiomyopathy (PMID: 30297972, 33782553). ClinVar contains an entry for this variant (Variation ID: 188569). Algorithms developed to predict the effect of missense changes on protein structure and function (SIFT, PolyPhen-2, Align-GVGD) all suggest that this variant is likely to be disruptive. In summary, the available evidence is currently insufficient to determine the role of this variant in disease. Therefore, it has been classified as a Variant of Uncertain Significance.

Stanford Center for Inherited Cardiovascular Disease, Stanford University
Classification: Uncertain significance. Last evaluated: 2011-08-25. Review status: criteria provided, single submitter. Criteria: ACMG Guidelines, 2015. Collection method: provider interpretation. Allele origin: germline.

Literature cited by the submitters: PubMed 25351510 (cited by Color Diagnostics, LLC DBA Color Health); PubMed 30297972 (cited by Color Diagnostics, LLC DBA Color Health and Labcorp Genetics (formerly Invitae), Labcorp); PubMed 32841044 (cited by Color Diagnostics, LLC DBA Color Health); PubMed 33782553 (cited by Color Diagnostics, LLC DBA Color Health and Labcorp Genetics (formerly Invitae), Labcorp).

NM_000256.3(MYBPC3):c.2435A>G (p.Lys812Arg)

Gene: MYBPC3 (myosin binding protein C3; minus strand). Cytogenetic location: 11p11.2.
Variant type: single nucleotide variant.
Coding change: c.2435A>G on transcript NM_000256.3 (MANE Select); coding-DNA position 2435, A replaced by G.
Protein change: p.Lys812Arg; replaces lysine 812 with arginine.
Molecular consequence: missense variant.
Genome position (GRCh38, 1-based): chr11:47,337,558, T>C on the plus strand (A>G on the coding strand, the complement: MYBPC3 is on the minus strand). VCF-style: chr11-47337558-T-C. GRCh37 (hg19) VCF-style: chr11-47359109-T-C.
Other names: short protein forms K812R.
Identifiers: ClinVar variation 188569 (VCV000188569.9), dbSNP rs786204350, ClinGen allele CA012254.